The following is an entry in ClinVar:

ClinVar aggregate classification (germline): Uncertain significance (1 of 4 stars; one submission).

Conditions:
Hereditary cancer-predisposing syndrome. Also called: Neoplastic Syndromes, Hereditary; Tumor predisposition; Hereditary Cancer Syndrome; Hereditary neoplastic syndrome. Identifiers: Orphanet 140162, MedGen C0027672, MeSH D009386, MONDO:0015356.

Submission:

Ambry Genetics
Classification: Uncertain significance for Hereditary cancer-predisposing syndrome. Last evaluated: 2015-06-28. Review status: criteria provided, single submitter. Criteria: Ambry Variant Classification Scheme 2023. Collection method: clinical testing. Allele origin: germline.
Comment: The p.L1092R variant (also known as c.3275T>G), located in coding exon 21 of the RAD50 gene, results from a T to G substitution at nucleotide position 3275. The leucine at codon 1092 is replaced by arginine, an amino acid with dissimilar properties. This variant was not reported in population based cohorts in the following databases: Database of Single Nucleotide Polymorphisms (dbSNP), NHLBI Exome Sequencing Project (ESP), and 1000 Genomes Project. In the ESP, this variant was not observed in 6502 samples (13004 alleles) with coverage at this position. This amino acid position is highly conserved in available vertebrate species. In addition, this alteration is predicted to be probably damaging yet tolerated by PolyPhen and SIFT in silico analyses, respectively. Since supporting evidence is limited at this time, the clinical significance of p.L1092R remains unclear.

NM_005732.4(RAD50):c.3275T>G (p.Leu1092Arg)

Gene: RAD50 (RAD50 double strand break repair protein; plus strand). Cytogenetic location: 5q31.1.
Variant type: single nucleotide variant.
Coding change: c.3275T>G on transcript NM_005732.4 (MANE Select); coding-DNA position 3275, T replaced by G.
Protein change: p.Leu1092Arg; replaces leucine 1092 with arginine.
Molecular consequence: missense variant.
Genome position (GRCh38, 1-based): chr5:132,618,180, T>G. VCF-style: chr5-132618180-T-G. GRCh37 (hg19) VCF-style: chr5-131953872-T-G.
Other names: short protein forms L1092R.
Identifiers: ClinVar variation 232508 (VCV000232508.5), dbSNP rs876659810, ClinGen allele CA10578597.